The following is an entry in ClinVar:

NM_199420.4(POLQ):c.4586A>G (p.Gln1529Arg)

Gene: POLQ (DNA polymerase theta; minus strand). Cytogenetic location: 3q13.33.
Variant type: single nucleotide variant.
Coding change: c.4586A>G on transcript NM_199420.4 (MANE Select); coding-DNA position 4586, A replaced by G.
Protein change: p.Gln1529Arg; replaces glutamine 1529 with arginine.
Molecular consequence: missense variant.
Genome position (GRCh38, 1-based): chr3:121,488,345, T>C on the plus strand (A>G on the coding strand, the complement: POLQ is on the minus strand). VCF-style: chr3-121488345-T-C. GRCh37 (hg19) VCF-style: chr3-121207192-T-C.
Other names: short protein forms Q1529R.
Identifiers: ClinVar variation 3422396 (VCV003422396.1).

ClinVar aggregate classification (germline): Uncertain significance (1 of 4 stars; one submission).

Submission:

Ambry Genetics
Classification: Uncertain significance. Last evaluated: 2024-08-10. Review status: criteria provided, single submitter. Criteria: Ambry Variant Classification Scheme 2023. Collection method: clinical testing. Allele origin: germline.
Comment: The p.Q1529R variant (also known as c.4586A>G), located in coding exon 16 of the POLQ gene, results from an A to G substitution at nucleotide position 4586. The glutamine at codon 1529 is replaced by arginine, an amino acid with highly similar properties. This amino acid position is conserved. In addition, this alteration is predicted to be tolerated by in silico analysis. Based on the available evidence, the clinical significance of this variant remains unclear.